The following is an entry in ClinVar:

ClinVar aggregate classification (germline): Uncertain significance (1 of 4 stars; one submission).

Conditions:
2-aminoadipic 2-oxoadipic aciduria (AAKAD). Also called: Aminoadipic aciduria; ALPHA-AMINOADIPIC AND ALPHA-KETOADIPIC ACIDURIA. Identifiers: Orphanet 79154, MedGen C1859817, MONDO:0008774, OMIM 204750.

Allele frequency attached by ClinVar (database versions not stated): TOPMed 0.00001.

Submission:

Labcorp Genetics (formerly Invitae), Labcorp
Classification: Uncertain significance for 2-aminoadipic 2-oxoadipic aciduria. Last evaluated: 2022-01-26. Review status: criteria provided, single submitter. Criteria: Invitae Variant Classification Sherloc (09022015). Collection method: clinical testing. Allele origin: germline.
Comment: This variant has not been reported in the literature in individuals affected with DHTKD1-related conditions. In summary, the available evidence is currently insufficient to determine the role of this variant in disease. Therefore, it has been classified as a Variant of Uncertain Significance. Algorithms developed to predict the effect of missense changes on protein structure and function are either unavailable or do not agree on the potential impact of this missense change (SIFT: "Deleterious"; PolyPhen-2: "Probably Damaging"; Align-GVGD: "Class C0"). This variant is not present in population databases (gnomAD no frequency). This sequence change replaces serine, which is neutral and polar, with proline, which is neutral and non-polar, at codon 809 of the DHTKD1 protein (p.Ser809Pro).

NM_018706.7(DHTKD1):c.2425T>C (p.Ser809Pro)

Gene: DHTKD1 (dehydrogenase E1 and transketolase domain containing 1; plus strand). Cytogenetic location: 10p14.
Variant type: single nucleotide variant.
Coding change: c.2425T>C on transcript NM_018706.7 (MANE Select); coding-DNA position 2425, T replaced by C.
Protein change: p.Ser809Pro; replaces serine 809 with proline.
Molecular consequence: missense variant.
Genome position (GRCh38, 1-based): chr10:12,118,771, T>C. VCF-style: chr10-12118771-T-C. GRCh37 (hg19) VCF-style: chr10-12160770-T-C.
Other names: short protein forms S809P.
Identifiers: ClinVar variation 1911847 (VCV001911847.5), dbSNP rs1833466869, ClinGen allele CA376016051.